The following is an entry in ClinVar:

NM_000051.4(ATM):c.7839A>T (p.Arg2613Ser)

Genes: ATM (ATM serine/threonine kinase; plus strand), C11orf65 (chromosome 11 open reading frame 65; minus strand). Cytogenetic location: 11q22.3.
Variant type: single nucleotide variant.
Coding change: c.7839A>T on transcript NM_000051.4 (MANE Select); coding-DNA position 7839, A replaced by T.
Protein change: p.Arg2613Ser; replaces arginine 2613 with serine.
Molecular consequence: missense variant. On other transcripts: intron variant (2).
Genome position (GRCh38, 1-based): chr11:108,332,812, A>T. VCF-style: chr11-108332812-A-T. GRCh37 (hg19) VCF-style: chr11-108203539-A-T.
Other names: c.7839A>T, p.Arg2613Ser (NM_001351834.2); c.641-23741T>A (NM_001330368.2); c.*38+2408T>A (NM_001351110.2); short protein forms R2613S.
Identifiers: ClinVar variation 2040053 (VCV002040053.4), dbSNP rs2136564986, ClinGen allele CA382561344.

ClinVar aggregate classification (germline): Uncertain significance (1 of 4 stars; one submission).

Conditions:
Ataxia-telangiectasia syndrome (AT). Also called: Ataxia-telangiectasia, complementation group D; AT, COMPLEMENTATION GROUP C; ATAXIA-TELANGIECTASIA, COMPLEMENTATION GROUP A; ATAXIA-TELANGIECTASIA, FRESNO VARIANT; Ataxia-telangiectasia, complementation group E; LOUIS-BAR SYNDROME. Identifiers: Orphanet 100, MedGen C0004135, MONDO:0008840, OMIM 208900.

Submission:

Labcorp Genetics (formerly Invitae), Labcorp
Classification: Uncertain significance for Ataxia-telangiectasia syndrome. Last evaluated: 2021-12-11. Review status: criteria provided, single submitter. Criteria: Invitae Variant Classification Sherloc (09022015). Collection method: clinical testing. Allele origin: germline.
Comment: This variant is not present in population databases (gnomAD no frequency). This sequence change replaces arginine, which is basic and polar, with serine, which is neutral and polar, at codon 2613 of the ATM protein (p.Arg2613Ser). This variant has not been reported in the literature in individuals affected with ATM-related conditions. In summary, the available evidence is currently insufficient to determine the role of this variant in disease. Therefore, it has been classified as a Variant of Uncertain Significance. Algorithms developed to predict the effect of missense changes on protein structure and function (SIFT, PolyPhen-2, Align-GVGD) all suggest that this variant is likely to be tolerated.